The following is an entry in ClinVar:

NM_002075.4(GNB3):c.709A>T (p.Asn237Tyr)

Genes: CDCA3 (cell division cycle associated 3; minus strand), GNB3 (G protein subunit beta 3; plus strand). Cytogenetic location: 12p13.31.
Variant type: single nucleotide variant.
Coding change: c.709A>T on transcript NM_002075.4 (MANE Select); coding-DNA position 709, A replaced by T.
Protein change: p.Asn237Tyr; replaces asparagine 237 with tyrosine.
Molecular consequence: missense variant. On other transcripts: 3 prime UTR variant (1).
Genome position (GRCh38, 1-based): chr12:6,845,595, A>T. VCF-style: chr12-6845595-A-T. GRCh37 (hg19) VCF-style: chr12-6954759-A-T.
Other names: c.706A>T, p.Asn236Tyr (NM_001297571.2); c.*1193T>A (NM_001297603.3); short protein forms N237Y, N236Y.
Identifiers: ClinVar variation 4743921 (VCV004743921.1).

ClinVar aggregate classification (germline): Uncertain significance (1 of 4 stars; one submission).

Submission:

Labcorp Genetics (formerly Invitae), Labcorp
Classification: Uncertain significance. Last evaluated: 2025-09-04. Review status: criteria provided, single submitter. Criteria: Invitae Variant Classification Sherloc (09022015). Collection method: clinical testing. Allele origin: germline.
Comment: This sequence change replaces asparagine, which is neutral and polar, with tyrosine, which is neutral and polar, at codon 237 of the GNB3 protein (p.Asn237Tyr). This variant is not present in population databases (gnomAD no frequency). This variant has not been reported in the literature in individuals affected with GNB3-related conditions. Invitae Evidence Modeling of protein sequence and biophysical properties (such as structural, functional, and spatial information, amino acid conservation, physicochemical variation, residue mobility, and thermodynamic stability) indicates that this missense variant is expected to disrupt GNB3 protein function with a positive predictive value of 80%. In summary, the available evidence is currently insufficient to determine the role of this variant in disease. Therefore, it has been classified as a Variant of Uncertain Significance.